The following is an entry in ClinVar:

ClinVar aggregate classification (germline): Conflicting classifications of pathogenicity. Review status: criteria provided, conflicting classifications (1 of 4 stars). 4 submissions from 4 submitters: Uncertain significance (3); Likely benign (1). Last evaluated 2025-03-09.

Conditions:
Charcot-Marie-Tooth disease type 2. Also called: Charcot-Marie-Tooth type 2. Identifiers: Orphanet 64746, MedGen C0270914, MONDO:0018993.

Allele frequency attached by ClinVar (database versions not stated): gnomAD exomes 0.00001 and 0.00002; gnomAD 0.00001; ExAC 0.00002; TOPMed 0.00001; ESP Exome Variant Server 0.00008.
gnomAD v4.1: 15 of 1,611,278 alleles (0.00093%); highest among the groups gnomAD compares: African/African-American, 0.0013%; no homozygotes.

Submissions (4):

Labcorp Genetics (formerly Invitae), Labcorp
Classification: Likely benign for Charcot-Marie-Tooth disease type 2. Last evaluated: 2025-03-09. Review status: criteria provided, single submitter. Criteria: Invitae Variant Classification Sherloc (09022015). Collection method: clinical testing. Allele origin: germline.

Mayo Clinic Laboratories, Mayo Clinic
Classification: Uncertain significance. Last evaluated: 2023-03-28. Review status: criteria provided, single submitter. Criteria: ACMG Guidelines, 2015. Collection method: clinical testing. Allele origin: germline. Observed: 1 variant allele.
Comment: BP4

GeneDx
Classification: Uncertain significance. Last evaluated: 2023-02-08. Review status: criteria provided, single submitter. Criteria: GeneDx Variant Classification Process June 2021. Collection method: clinical testing. Allele origin: germline. Affected: yes.
Comment: In silico analysis supports that this missense variant does not alter protein structure/function; Has not been previously published as pathogenic or benign to our knowledge; This variant is associated with the following publications: (PMID: 25168514, 26503042, 26138142)

Ambry Genetics
Classification: Uncertain significance. Last evaluated: 2019-09-29. Review status: criteria provided, single submitter. Criteria: Ambry Variant Classification Scheme 2023. Collection method: clinical testing. Allele origin: germline.
Comment: The p.V595A variant (also known as c.1784T>C), located in coding exon 14 of the GARS gene, results from a T to C substitution at nucleotide position 1784. The valine at codon 595 is replaced by alanine, an amino acid with similar properties. This amino acid position is not well conserved in available vertebrate species. In addition, this alteration is predicted to be tolerated by in silico analysis. Since supporting evidence is limited at this time, the clinical significance of this alteration remains unclear.

NM_002047.4(GARS1):c.1784T>C (p.Val595Ala)

Gene: GARS1 (glycyl-tRNA synthetase 1; plus strand). Cytogenetic location: 7p14.3.
Variant type: single nucleotide variant.
Coding change: c.1784T>C on transcript NM_002047.4 (MANE Select); coding-DNA position 1784, T replaced by C.
Protein change: p.Val595Ala; replaces valine 595 with alanine.
Molecular consequence: missense variant.
Genome position (GRCh38, 1-based): chr7:30,628,644, T>C. VCF-style: chr7-30628644-T-C. GRCh37 (hg19) VCF-style: chr7-30668260-T-C.
Other names: p.Val595Ala; c.1622T>C, p.Val541Ala (NM_001316772.1); c.1784T>C (LRG_243t1); short protein forms V595A, V541A.
Identifiers: ClinVar variation 543210 (VCV000543210.12), dbSNP rs373694973, ClinGen allele CA4206072.